The following is an entry in ClinVar:

NM_000069.3(CACNA1S):c.5419A>T (p.Ile1807Phe)

Gene: CACNA1S (calcium voltage-gated channel subunit alpha1 S; minus strand). Cytogenetic location: 1q32.1.
Variant type: single nucleotide variant.
Coding change: c.5419A>T on transcript NM_000069.3 (MANE Select); coding-DNA position 5419, A replaced by T.
Protein change: p.Ile1807Phe; replaces isoleucine 1807 with phenylalanine.
Molecular consequence: missense variant.
Genome position (GRCh38, 1-based): chr1:201,040,034, T>A on the plus strand (A>T on the coding strand, the complement: CACNA1S is on the minus strand). VCF-style: chr1-201040034-T-A. GRCh37 (hg19) VCF-style: chr1-201009162-T-A.
Other names: short protein forms I1807F.
Identifiers: ClinVar variation 3075015 (VCV003075015.3), dbSNP rs746454478, ClinGen allele CA083861.

ClinVar aggregate classification (germline): Uncertain significance. Review status: criteria provided, multiple submitters, no conflicts (2 of 4 stars). 2 submissions from 2 submitters: Uncertain significance (2). Last evaluated 2024-09-23.

Conditions:
Malignant hyperthermia, susceptibility to, 5 (MHS5). Also called: CACNA1S-Related Malignant Hyperthermia Susceptibility. Identifiers: Orphanet 423, MedGen C1866077, MONDO:0011163, OMIM 601887.
Hypokalemic periodic paralysis, type 1. Also called: HypoPP; Hypokalemic Periodic Paralysis Type 1 (AD). Identifiers: Orphanet 681, MedGen C3714580, MONDO:0042979, OMIM 170400.
Congenital myopathy 18. Also called: Myopathy, congenital, due to dihydropyridine receptor defect; DIHYDROPYRIDINE RECEPTOR CONGENITAL MYOPATHY; DHPR CONGENITAL MYOPATHY. Identifiers: MedGen C5830283, MONDO:0859514, OMIM 620246.
Thyrotoxic periodic paralysis, susceptibility to, 1 (TTPP1). Identifiers: Orphanet 79102, MedGen C2749982, MONDO:0008570, OMIM 188580.

Allele frequency attached by ClinVar (database versions not stated): TOPMed below 0.00001; ExAC 0.00002.
gnomAD v4.1: 1 of 1,614,242 alleles (0.000062%); highest among the groups gnomAD compares: Non-Finnish European, 0.000085%; no homozygotes.

Submissions (2):

All of Us Research Program, National Institutes of Health
Classification: Uncertain significance for Malignant hyperthermia, susceptibility to, 5. Last evaluated: 2024-09-23. Review status: criteria provided, single submitter. Criteria: ACMG Guidelines, 2015. Collection method: clinical testing. Allele origin: germline. Inheritance: Autosomal dominant inheritance. Observed: 2 variant alleles, 2 heterozygotes.
Comment: This study involves interpretation of variants in research participants for the purpose of population health screening. Participant phenotype was not available at the time of variant classification. Additional details can be found in publication PMID: 35346344, PMCID: PMC8962531

Fulgent Genetics
Classification: Uncertain significance for Hypokalemic periodic paralysis, type 1; Thyrotoxic periodic paralysis, susceptibility to, 1; Malignant hyperthermia, susceptibility to, 5; Congenital myopathy 18. Last evaluated: 2024-01-01. Review status: criteria provided, single submitter. Criteria: ACMG Guidelines, 2015. Collection method: clinical testing. Allele origin: germline.